The following is an entry in ClinVar:

ClinVar aggregate classification (germline): Uncertain significance. Review status: criteria provided, multiple submitters, no conflicts (2 of 4 stars). 2 submissions from 2 submitters: Uncertain significance (2). Last evaluated 2024-11-03.

Conditions:
Cardiovascular phenotype. Identifiers: MedGen CN230736.
Naxos disease (NXD). Also called: KERATOSIS PALMOPLANTARIS WITH ARRHYTHMOGENIC CARDIOMYOPATHY; MAL DE NAXOS; PALMOPLANTAR KERATODERMA WITH ARRHYTHMOGENIC RIGHT VENTRICULAR CARDIOMYOPATHY AND WOOLLY HAIR; WOOLLY HAIR, PALMOPLANTAR KERATODERMA, AND CARDIAC ABNORMALITIES; CARDIOMYOPATHY, ARRHYTHMOGENIC RIGHT VENTRICULAR, WITH SKIN, HAIR, AND NAIL ABNORMALITIES. Identifiers: Orphanet 34217, MedGen C1832600, MONDO:0011017, OMIM 601214.
Arrhythmogenic right ventricular dysplasia 12. Also called: ARRHYTHMOGENIC RIGHT VENTRICULAR DYSPLASIA, FAMILIAL, 12. Identifiers: MedGen C1969081, MONDO:0012684, OMIM 611528.

Allele frequency attached by ClinVar (database versions not stated): ExAC 0.00001; gnomAD 0.00002.
gnomAD v4.1: 6 of 1,614,078 alleles (0.00037%); highest among the groups gnomAD compares: African/African-American, 0.004%; no homozygotes.

Submissions (2):

Ambry Genetics
Classification: Uncertain significance for Cardiovascular phenotype. Last evaluated: 2024-11-03. Review status: criteria provided, single submitter. Criteria: Ambry Variant Classification Scheme 2023. Collection method: clinical testing. Allele origin: germline.
Comment: The p.P346S variant (also known as c.1036C>T), located in coding exon 5 of the JUP gene, results from a C to T substitution at nucleotide position 1036. The proline at codon 346 is replaced by serine, an amino acid with similar properties. This amino acid position is conserved. In addition, the in silico prediction for this alteration is inconclusive. Based on the available evidence, the clinical significance of this variant remains unclear.

Labcorp Genetics (formerly Invitae), Labcorp
Classification: Uncertain significance for Arrhythmogenic right ventricular dysplasia 12; Naxos disease. Last evaluated: 2023-09-08. Review status: criteria provided, single submitter. Criteria: Invitae Variant Classification Sherloc (09022015). Collection method: clinical testing. Allele origin: germline.
Comment: This variant has not been reported in the literature in individuals affected with JUP-related conditions. In summary, the available evidence is currently insufficient to determine the role of this variant in disease. Therefore, it has been classified as a Variant of Uncertain Significance. An algorithm developed to predict the effect of missense changes on protein structure and function (PolyPhen-2) suggests that this variant is likely to be disruptive. The frequency data for this variant in the population databases is considered unreliable, as metrics indicate poor data quality at this position in the gnomAD database. This sequence change replaces proline, which is neutral and non-polar, with serine, which is neutral and polar, at codon 346 of the JUP protein (p.Pro346Ser).

NM_002230.4(JUP):c.1036C>T (p.Pro346Ser)

Gene: JUP (junction plakoglobin; minus strand). Cytogenetic location: 17q21.2.
Variant type: single nucleotide variant.
Coding change: c.1036C>T on transcript NM_002230.4 (MANE Select); coding-DNA position 1036, C replaced by T.
Protein change: p.Pro346Ser; replaces proline 346 with serine.
Molecular consequence: missense variant.
Genome position (GRCh38, 1-based): chr17:41,764,941, G>A on the plus strand (C>T on the coding strand, the complement: JUP is on the minus strand). VCF-style: chr17-41764941-G-A. GRCh37 (hg19) VCF-style: chr17-39921193-G-A.
Other names: c.1036C>T, p.Pro346Ser (NM_001352773.2, NM_001352774.2, NM_001352775.2 and 3 more transcripts); short protein forms P346S.
Identifiers: ClinVar variation 2932409 (VCV002932409.4), dbSNP rs782541154, ClinGen allele CA8565315.
Genomic context (GRCh38, chr17:41,764,941, plus strand): 5'-CAGAGCTCCCACCCCAGCCGCCCTCAAGGCCATCATACTCACCAGCCTCCACAATGGCAG[G>A]CTTATTGCTGGGACACACGGATAGCACCTTGAGCACACGACTGGTGGTCCAGAGCAGCTT-3'
Protein context (NP_002221.1, residues 336-356): KVLSVCPSNK[Pro346Ser]AIVEAGGMQA